The following is an entry in ClinVar:

ClinVar aggregate classification (germline): Uncertain significance. Review status: criteria provided, single submitter (1 of 4 stars). 2 submissions from 2 submitters: Uncertain significance (1). 1 of the submissions does not count toward it. Last evaluated 2023-03-20.

Conditions:
GALR1-related disorder. Also called: GALR1-related condition.

Allele frequency attached by ClinVar (database versions not stated): 1000 Genomes Project 30x 0.00016; 1000 Genomes Project 0.00020; ExAC 0.00020.

Submissions (2):

Ambry Genetics
Classification: Uncertain significance. Last evaluated: 2023-03-20. Review status: criteria provided, single submitter. Criteria: Ambry Variant Classification Scheme 2023. Collection method: clinical testing. Allele origin: germline.

PreventionGenetics, part of Exact Sciences
Classification: Likely benign for GALR1-related condition. Last evaluated: 2022-11-08. Review status: no assertion criteria provided. Collection method: clinical testing. Allele origin: germline. Not counted in ClinVar's aggregate classification.
Comment: This variant is classified as likely benign based on ACMG/AMP sequence variant interpretation guidelines (Richards et al. 2015 PMID: 25741868, with internal and published modifications).

NM_001480.4(GALR1):c.52C>T (p.Pro18Ser)

Gene: GALR1 (galanin receptor 1; plus strand). Cytogenetic location: 18q23.
Variant type: single nucleotide variant.
Coding change: c.52C>T on transcript NM_001480.4 (MANE Select); coding-DNA position 52, C replaced by T.
Protein change: p.Pro18Ser; replaces proline 18 with serine.
Molecular consequence: missense variant.
Genome position (GRCh38, 1-based): chr18:77,250,600, C>T. VCF-style: chr18-77250600-C-T. GRCh37 (hg19) VCF-style: chr18-74962556-C-T.
Other names: short protein forms P18S.
Identifiers: ClinVar variation 2568908 (VCV002568908.4), dbSNP rs539654659, ClinGen allele CA9005748.
Genomic context (GRCh38, chr18:77,250,600, plus strand): 5'-CCGCGGGCCATGGAGCTGGCGGTCGGGAACCTCAGCGAGGGCAACGCGAGCTGGCCGGAG[C>T]CCCCCGCCCCGGAGCCCGGGCCGCTGTTCGGCATCGGCGTGGAGAACTTCGTCACGCTGG-3'
Protein context (NP_001471.2, residues 8-28): LSEGNASWPE[Pro18Ser]PAPEPGPLFG